The following is an entry in ClinVar:

ClinVar aggregate classification (germline): Conflicting classifications of pathogenicity. Review status: criteria provided, conflicting classifications (1 of 4 stars). 7 submissions from 7 submitters: Uncertain significance (1); Likely benign (5). 1 of the submissions does not count toward it. Last evaluated 2025-03-06.

Conditions:
VWF-related disorder. Also called: VWF-related disorders; VWF-related condition.
von Willebrand disease type 3 (VWD3). Also called: Type 3 Von Willebrand's disease; Type 3 VWD; Von Willebrand disease, severe form; V WD3; VON WILLEBRAND DISEASE, TYPE III. Identifiers: Orphanet 166096, MedGen C1264041, MONDO:0010191, OMIM 277480.
Hereditary von Willebrand disease. Identifiers: Orphanet 903, MedGen C5703318, MONDO:0019565. Inheritance: Autosomal recessive or Autosomal dominant.

Allele frequency attached by ClinVar (database versions not stated): 1000 Genomes Project 30x 0.00062; 1000 Genomes Project 0.00080; TOPMed 0.00082; ESP Exome Variant Server 0.00092; gnomAD 0.00108 and 0.00109; gnomAD exomes 0.00139 and 0.00165; ExAC 0.00144.
gnomAD v4.1: 2,562 of 1,612,494 alleles (0.16%); highest among the groups gnomAD compares: South Asian, 0.27%; 8 homozygotes.

Submissions (7):

PreventionGenetics, part of Exact Sciences
Classification: Likely benign for VWF-related condition. Last evaluated: 2025-03-06. Review status: criteria provided, single submitter. Criteria: ACMG Guidelines, 2015. Collection method: clinical testing. Allele origin: germline.
Comment: This variant is classified as likely benign based on ACMG/AMP sequence variant interpretation guidelines (Richards et al. 2015 PMID: 25741868, with internal and published modifications).

Blueprint Genetics
Classification: Likely benign. Last evaluated: 2024-11-25. Review status: criteria provided, single submitter. Criteria: ACMG Guidelines, 2015. Collection method: clinical testing. Allele origin: germline.

Women's Health and Genetics/Laboratory Corporation of America, LabCorp
Classification: Likely benign. Last evaluated: 2024-01-08. Review status: criteria provided, single submitter. Criteria: LabCorp Variant Classification Summary - May 2015. Collection method: clinical testing. Allele origin: germline.

CeGaT Center for Human Genetics Tuebingen
Classification: Likely benign. Last evaluated: 2019-05-01. Review status: criteria provided, single submitter. Criteria: CeGaT Center For Human Genetics Tuebingen Variant Classification Criteria Version 2. Collection method: clinical testing. Allele origin: germline. Affected: yes. Observed: 1 variant allele.

GeneDx
Classification: Likely benign. Last evaluated: 2018-12-26. Review status: criteria provided, single submitter. Criteria: GeneDx Variant Classification Process June 2021. Collection method: clinical testing. Allele origin: germline. Affected: yes.
Comment: See Variant Classification Assertion Criteria.

Illumina Laboratory Services, Illumina
Classification: Uncertain significance for von Willebrand disorder. Last evaluated: 2018-01-13. Review status: criteria provided, single submitter. Criteria: ICSL Variant Classification Criteria 13 December 2019. Collection method: clinical testing. Allele origin: germline.

Angelo Bianchi Bonomi Hemophilia and Thrombosis Center, Fondazione IRCCS Ca Granda Ospedale Maggiore Policlinico
Classification: Uncertain significance for von Willebrand disease type 3. Last evaluated: 2020-11-01. Review status: no assertion criteria provided. Collection method: clinical testing. Allele origin: germline. Affected: yes. Study: Type 3 Von Willebrand International Registries Inhibitor Prospective Study (3WINTERS-IPS). Not counted in ClinVar's aggregate classification.
Comment: ClinGen Pathogenicity Calculator

NM_000552.5(VWF):c.7082-13G>C

Gene: VWF (von Willebrand factor; minus strand). Cytogenetic location: 12p13.31.
Variant type: single nucleotide variant.
Coding change: c.7082-13G>C on transcript NM_000552.5 (MANE Select); 13 bases into the intron before coding-DNA position 7082, G replaced by C.
Molecular consequence: intron variant.
Genome position (GRCh38, 1-based): chr12:5,982,004, C>G on the plus strand (G>C on the coding strand, the complement: VWF is on the minus strand). VCF-style: chr12-5982004-C-G. GRCh37 (hg19) VCF-style: chr12-6091170-C-G.
Other names: c.7082-13G>C (NM_000552.4).
Identifiers: ClinVar variation 310043 (VCV000310043.51), dbSNP rs71581025, ClinGen allele CA6401767.